The following is an entry in ClinVar:

NM_001267550.2(TTN):c.42219C>T (p.Phe14073=)

Gene: TTN (titin; minus strand). Cytogenetic location: 2q31.2.
Variant type: single nucleotide variant.
Coding change: c.42219C>T on transcript NM_001267550.2 (MANE Select); coding-DNA position 42219, C replaced by T.
Protein change: p.Phe14073=; no amino-acid change (phenylalanine 14073 retained).
Molecular consequence: synonymous variant.
Genome position (GRCh38, 1-based): chr2:178,634,562, G>A on the plus strand (C>T on the coding strand, the complement: TTN is on the minus strand). VCF-style: chr2-178634562-G-A. GRCh37 (hg19) VCF-style: chr2-179499289-G-A.
Other names: p.F11505F:TTC>TTT; p.Phe11505=; c.37296C>T, p.Phe12432= (NM_001256850.1); c.15024C>T, p.Phe5008= (NM_003319.4); c.34515C>T, p.Phe11505= (NM_133378.4); c.15399C>T, p.Phe5133= (NM_133432.3); c.15600C>T, p.Phe5200= (NM_133437.4).
Identifiers: ClinVar variation 46954 (VCV000046954.39), dbSNP rs150612172, ClinGen allele CA283219.

ClinVar aggregate classification (germline): Benign/Likely benign. Review status: criteria provided, multiple submitters, no conflicts (2 of 4 stars). 24 submissions from 17 submitters: Benign (16); Likely benign (5). 3 of the submissions do not count toward it. Last evaluated 2026-02-04.

Conditions:
Cardiovascular phenotype. Identifiers: MedGen CN230736.
Dilated cardiomyopathy 1G (CMD1G). Identifiers: Orphanet 154, MedGen C1858763, MONDO:0011400, OMIM 604145.
Autosomal recessive limb-girdle muscular dystrophy type 2J (LGMDR10). Also called: MUSCULAR DYSTROPHY, LIMB-GIRDLE, AUTOSOMAL RECESSIVE 10; Limb-girdle muscular dystrophy, type 2J. Identifiers: Orphanet 140922, MedGen C1837342, MONDO:0012127, OMIM 608807.
Cardiomyopathy (CMYO). Also called: Cardiomyopathies. Identifiers: Orphanet 167848, MedGen C0878544, MONDO:0004994, HP:0001638. Inheritance: Various modes of inheritance.
Early-onset myopathy with fatal cardiomyopathy (CMYO5). Also called: CONGENITAL MYOPATHY 5 WITH CARDIOMYOPATHY; Salih Myopathy. Identifiers: Orphanet 289377, MedGen C2673677, MONDO:0012714, OMIM 611705. Disease mechanism: loss of function.
Myopathy, myofibrillar, 9, with early respiratory failure (MFM9). Also called: Myopathy, distal, with early respiratory failure, autosomal dominant; Hereditary myopathy with early respiratory failure; MYOPATHY, PROXIMAL, WITH EARLY RESPIRATORY MUSCLE INVOLVEMENT; EDSTROM MYOPATHY. Identifiers: Orphanet 178464, Orphanet 34521, MedGen C1863599, MONDO:0011362, OMIM 603689.
Tibial muscular dystrophy (TMD). Also called: Udd Distal Myopathy – Tibial Muscular Dystrophy; Tibial muscular dystrophy, tardive; UDD MYOPATHY. Identifiers: Orphanet 609, MedGen C1838244, MONDO:0010870, OMIM 600334.

Allele frequency attached by ClinVar (database versions not stated): gnomAD exomes 0.00195; gnomAD 0.00757 and 0.00707; ExAC 0.00236; 1000 Genomes Project 0.00899; 1000 Genomes Project 30x 0.00999; ESP Exome Variant Server 0.00920; TOPMed 0.00810.
gnomAD v4.1: 2,311 of 1,613,262 alleles (0.14%); highest among the groups gnomAD compares: African/African-American, 2.5%; 23 homozygotes.

Submissions (24):

Labcorp Genetics (formerly Invitae), Labcorp
Classification: Benign for Dilated cardiomyopathy 1G; Autosomal recessive limb-girdle muscular dystrophy type 2J. Last evaluated: 2026-02-04. Review status: criteria provided, single submitter. Criteria: Invitae Variant Classification Sherloc (09022015). Collection method: clinical testing. Allele origin: germline.

Molecular Diagnostic Laboratory for Inherited Cardiovascular Disease, Montreal Heart Institute
Classification: Benign. Last evaluated: 2025-04-09. Review status: criteria provided, single submitter. Criteria: ACMG Guidelines, 2015. Collection method: clinical testing. Allele origin: germline. Affected: no.

ARUP Laboratories, Molecular Genetics and Genomics, ARUP Laboratories
Classification: Benign. Last evaluated: 2025-04-08. Review status: criteria provided, single submitter. Criteria: ARUP Molecular Germline Variant Investigation Process 2024. Collection method: clinical testing. Allele origin: germline.

Blueprint Genetics
Classification: Likely benign. Last evaluated: 2024-11-13. Review status: criteria provided, single submitter. Criteria: ACMG Guidelines, 2015. Collection method: clinical testing. Allele origin: germline.

Genome-Nilou Lab
Classification: Benign for Autosomal recessive limb-girdle muscular dystrophy type 2J. Last evaluated: 2021-09-10. Review status: criteria provided, single submitter. Criteria: ACMG Guidelines, 2015. Collection method: clinical testing. Allele origin: germline. Affected: no.

Genome-Nilou Lab
Classification: Benign for Myopathy, myofibrillar, 9, with early respiratory failure. Last evaluated: 2021-09-10. Review status: criteria provided, single submitter. Criteria: ACMG Guidelines, 2015. Collection method: clinical testing. Allele origin: germline. Affected: no.

Genome-Nilou Lab
Classification: Benign for Early-onset myopathy with fatal cardiomyopathy. Last evaluated: 2021-09-10. Review status: criteria provided, single submitter. Criteria: ACMG Guidelines, 2015. Collection method: clinical testing. Allele origin: germline. Affected: no.

Genome-Nilou Lab
Classification: Benign for Tibial muscular dystrophy. Last evaluated: 2021-09-10. Review status: criteria provided, single submitter. Criteria: ACMG Guidelines, 2015. Collection method: clinical testing. Allele origin: germline. Affected: no.

Athena Diagnostics
Classification: Benign. Last evaluated: 2021-05-13. Review status: criteria provided, single submitter. Criteria: Athena Diagnostics criteria. Collection method: clinical testing. Allele origin: unknown.

Women's Health and Genetics/Laboratory Corporation of America, LabCorp
Classification: Benign. Last evaluated: 2020-04-12. Review status: criteria provided, single submitter. Criteria: LabCorp Variant Classification Summary - May 2015. Collection method: clinical testing. Allele origin: germline.

Mayo Clinic Laboratories, Mayo Clinic
Classification: Benign. Last evaluated: 2019-02-28. Review status: criteria provided, single submitter. Criteria: ACMG Guidelines, 2015. Collection method: clinical testing. Allele origin: germline. Observed: 15 variant alleles.

Illumina Laboratory Services, Illumina
Classification: Benign for Myopathy, myofibrillar, 9, with early respiratory failure. Last evaluated: 2018-01-13. Review status: criteria provided, single submitter. Criteria: ICSL Variant Classification Criteria 13 December 2019. Collection method: clinical testing. Allele origin: germline.
Comment: This variant was observed in the ICSL laboratory as part of a predisposition screen in an ostensibly healthy population. It had not been previously curated by ICSL or reported in the Human Gene Mutation Database (HGMD: prior to June 1st, 2018), and was therefore a candidate for classification through an automated scoring system. Utilizing variant allele frequency, disease prevalence and penetrance estimates, and inheritance mode, an automated score was calculated to assess if this variant is too frequent to cause the disease. Based on the score and internal cut-off values, a variant classified as benign is not then subjected to further curation. The score for this variant resulted in a classification of benign for this disease.

Illumina Laboratory Services, Illumina
Classification: Likely benign for Dilated cardiomyopathy 1G. Last evaluated: 2018-01-13. Review status: criteria provided, single submitter. Criteria: ICSL Variant Classification Criteria 13 December 2019. Collection method: clinical testing. Allele origin: germline.
Comment: This variant was observed in the ICSL laboratory as part of a predisposition screen in an ostensibly healthy population. It had not been previously curated by ICSL or reported in the Human Gene Mutation Database (HGMD: prior to June 1st, 2018), and was therefore a candidate for classification through an automated scoring system. Utilizing variant allele frequency, disease prevalence and penetrance estimates, and inheritance mode, an automated score was calculated to assess if this variant is too frequent to cause the disease. Based on the score and internal cut-off values, a variant classified as likely benign is not then subjected to further curation. The score for this variant resulted in a classification of likely benign for this disease.

Illumina Laboratory Services, Illumina
Classification: Likely benign for Autosomal recessive limb-girdle muscular dystrophy type 2J. Last evaluated: 2018-01-13. Review status: criteria provided, single submitter. Criteria: ICSL Variant Classification Criteria 13 December 2019. Collection method: clinical testing. Allele origin: germline.
Comment: the same text as in the submission from Illumina Laboratory Services, Illumina above.

Illumina Laboratory Services, Illumina
Classification: Likely benign for Early-onset myopathy with fatal cardiomyopathy. Last evaluated: 2018-01-13. Review status: criteria provided, single submitter. Criteria: ICSL Variant Classification Criteria 13 December 2019. Collection method: clinical testing. Allele origin: germline.
Comment: the same text as in the submission from Illumina Laboratory Services, Illumina above.

Illumina Laboratory Services, Illumina
Classification: Benign for Tibial muscular dystrophy. Last evaluated: 2018-01-13. Review status: criteria provided, single submitter. Criteria: ICSL Variant Classification Criteria 13 December 2019. Collection method: clinical testing. Allele origin: germline.
Comment: the same text as in the submission from Illumina Laboratory Services, Illumina above.

CHEO Genetics Diagnostic Laboratory, Children's Hospital of Eastern Ontario
Classification: Benign for Cardiomyopathy. Last evaluated: 2017-08-21. Review status: criteria provided, single submitter. Criteria: ACMG Guidelines, 2015. Collection method: clinical testing. Allele origin: germline. Study: Canadian Open Genetics Repository.

GeneDx
Classification: Benign. Last evaluated: 2014-02-26. Review status: criteria provided, single submitter. Criteria: GeneDx Variant Classification (06012015). Collection method: clinical testing. Allele origin: germline. Affected: yes.
Comment: This variant is considered likely benign or benign based on one or more of the following criteria: it is a conservative change, it occurs at a poorly conserved position in the protein, it is predicted to be benign by multiple in silico algorithms, and/or has population frequency not consistent with disease.

Ambry Genetics
Classification: Benign for Cardiovascular phenotype. Last evaluated: 2013-09-13. Review status: criteria provided, single submitter. Criteria: Ambry Autosomal Dominant and X-Linked criteria (10/2015). Collection method: clinical testing. Allele origin: germline. Observed: 1 variant allele.

Laboratory for Molecular Medicine, Mass General Brigham Personalized Medicine
Classification: Benign. Last evaluated: 2012-07-10. Review status: criteria provided, single submitter. Criteria: LMM Criteria. Collection method: clinical testing. Allele origin: germline. Observed: 13 variant alleles.
Comment: Phe11505Phe in Exon 179 of TTN: This variant is not expected to have clinical si gnificance because it does not alter an amino acid residue, is not located withi n the splice consensus sequence and has been identified in 2.8% (86/3114) of Afr ican American chromosomes from a broad population by the NHLBI Exome Sequencing Project (dbSNP rs150612172).

Breakthrough Genomics
Classification: Likely benign. Review status: criteria provided, single submitter. Criteria: ACMG Guidelines, 2015. Collection method: not provided. Allele origin: germline. Inheritance: Autosomal recessive inheritance. Affected: yes.

Clinical Genetics DNA and cytogenetics Diagnostics Lab, Erasmus MC, Erasmus Medical Center
Classification: Benign. Review status: no assertion criteria provided. Collection method: clinical testing. Allele origin: germline. Affected: yes. Study: VKGL Data-share Consensus. Not counted in ClinVar's aggregate classification.

Clinical Genetics, Academic Medical Center
Classification: Benign. Review status: no assertion criteria provided. Collection method: clinical testing. Allele origin: germline. Affected: yes. Study: VKGL Data-share Consensus. Not counted in ClinVar's aggregate classification.

Diagnostic Laboratory, Department of Genetics, University Medical Center Groningen
Classification: Likely benign. Review status: no assertion criteria provided. Collection method: clinical testing. Allele origin: germline. Affected: yes. Study: VKGL Data-share Consensus. Not counted in ClinVar's aggregate classification.